The following is an entry in ClinVar:

NM_152703.5(SAMD9L):c.587T>C (p.Ile196Thr)

Gene: SAMD9L (sterile alpha motif domain containing 9 like; minus strand). Cytogenetic location: 7q21.2.
Variant type: single nucleotide variant.
Coding change: c.587T>C on transcript NM_152703.5 (MANE Select); coding-DNA position 587, T replaced by C.
Protein change: p.Ile196Thr; replaces isoleucine 196 with threonine.
Molecular consequence: missense variant.
Genome position (GRCh38, 1-based): chr7:93,135,385, A>G on the plus strand (T>C on the coding strand, the complement: SAMD9L is on the minus strand). VCF-style: chr7-93135385-A-G. GRCh37 (hg19) VCF-style: chr7-92764698-A-G.
Other names: c.587T>C, p.Ile196Thr (NM_001303496.3, NM_001303497.3, NM_001303498.3 and 5 more transcripts); short protein forms I196T.
Identifiers: ClinVar variation 4842043 (VCV004842043.1).
Genomic context (GRCh38, chr7:93,135,385, plus strand): 5'-TTCATCTTAATGTCCACTTCCGTGGCTGTTTCTGTGTTTGTGAGAGCTTTGAACTCATGT[A>G]TTGGATCAATGAGATTGAGTGCTCCTGTTTCAGGTTGTAGAGTATAATGTTCTATGTAGC-3'
Protein context (NP_689916.2, residues 186-206): ETGALNLIDP[Ile196Thr]HEFKALTNTE

ClinVar aggregate classification (germline): Uncertain significance (1 of 4 stars; one submission).

Conditions:
Inborn genetic diseases. Identifiers: MedGen C0950123, MeSH D030342.

Submission:

Ambry Genetics
Classification: Uncertain significance for Inborn genetic diseases. Last evaluated: 2026-01-14. Review status: criteria provided, single submitter. Criteria: Ambry Variant Classification Scheme 2023. Collection method: clinical testing. Allele origin: germline.
Comment: The p.I196T variant (also known as c.587T>C), located in coding exon 1 of the SAMD9L gene, results from a T to C substitution at nucleotide position 587. The isoleucine at codon 196 is replaced by threonine, an amino acid with similar properties. This amino acid position is conserved. In addition, this alteration is predicted to be tolerated by in silico analysis. Based on the available evidence, the clinical significance of this variant remains unclear.